The following is an entry in ClinVar:

ClinVar aggregate classification (germline): Likely pathogenic (1 of 4 stars; one submission).

Conditions:
Muscular dystrophy-dystroglycanopathy (congenital with brain and eye anomalies), type a, 11 (MDDGA11). Also called: Congenital muscular dystrophy-dystroglycanopathy with brain and eye anomalies, type A11; Muscular dystrophy-dystroglycanopathy (congenital with brain and eye anomalies, type A, 11; WALKER-WARBURG SYNDROME OR MUSCLE-EYE-BRAIN DISEASE, B3GALNT2-RELATED. Identifiers: Orphanet 588, Orphanet 899, MedGen C3554638, MONDO:0014071, OMIM 615181.

gnomAD v4.1: 4 of 1,612,400 alleles (0.00025%); highest among the groups gnomAD compares: Non-Finnish European, 0.00034%; no homozygotes.

Submission:

Labcorp Genetics (formerly Invitae), Labcorp
Classification: Likely pathogenic for Muscular dystrophy-dystroglycanopathy (congenital with brain and eye anomalies), type a, 11. Last evaluated: 2025-06-16. Review status: criteria provided, single submitter. Criteria: Invitae Variant Classification Sherloc (09022015). Collection method: clinical testing. Allele origin: germline.
Comment: This sequence change affects a donor splice site in intron 9 of the B3GALNT2 gene. It is expected to disrupt RNA splicing. Variants that disrupt the donor or acceptor splice site typically lead to a loss of protein function (PMID: 16199547), and loss-of-function variants in B3GALNT2 are known to be pathogenic (PMID: 23453667). This variant is not present in population databases (gnomAD no frequency). This variant has not been reported in the literature in individuals affected with B3GALNT2-related conditions. ClinVar contains an entry for this variant (Variation ID: 3673129). Algorithms developed to predict the effect of sequence changes on RNA splicing suggest that this variant may disrupt the consensus splice site. In summary, the currently available evidence indicates that the variant is pathogenic, but additional data are needed to prove that conclusively. Therefore, this variant has been classified as Likely Pathogenic.

Literature cited by the submitters: PubMed 16199547; PubMed 23453667.

NM_152490.5(B3GALNT2):c.1151+2T>C

Gene: B3GALNT2 (beta-1,3-N-acetylgalactosaminyltransferase 2; minus strand). Cytogenetic location: 1q42.3.
Variant type: single nucleotide variant.
Coding change: c.1151+2T>C on transcript NM_152490.5 (MANE Select); the canonical splice donor site of the intron after coding-DNA position 1151, T replaced by C.
Molecular consequence: splice donor variant.
Genome position (GRCh38, 1-based): chr1:235,455,557, A>G on the plus strand (T>C on the coding strand, the complement: B3GALNT2 is on the minus strand). VCF-style: chr1-235455557-A-G. GRCh37 (hg19) VCF-style: chr1-235618869-A-G.
Identifiers: ClinVar variation 3673129 (VCV003673129.2).
Genomic context (GRCh38, chr1:235,455,557, plus strand): 5'-GCTTTATTAATTACATTTGATCAGGTACACGAATGCCAATGGGCTAAGAATGGTTAACTT[A>G]CTTTCCCCACCAAAAATTAGGCCCATCCAGATTCTTTTGGACAATCCTATTAAATACAGC-3'